The following is an entry in ClinVar:

NM_018372.4(LRIF1):c.2201C>T (p.Pro734Leu)

Gene: LRIF1 (ligand dependent nuclear receptor interacting factor 1; minus strand). Cytogenetic location: 1p13.3.
Variant type: single nucleotide variant.
Coding change: c.2201C>T on transcript NM_018372.4 (MANE Select); coding-DNA position 2201, C replaced by T.
Protein change: p.Pro734Leu; replaces proline 734 with leucine.
Molecular consequence: missense variant.
Genome position (GRCh38, 1-based): chr1:110,948,068, G>A on the plus strand (C>T on the coding strand, the complement: LRIF1 is on the minus strand). VCF-style: chr1-110948068-G-A. GRCh37 (hg19) VCF-style: chr1-111490690-G-A.
Other names: c.593C>T, p.Pro198Leu (NM_001006945.2); short protein forms P734L, P198L.
Identifiers: ClinVar variation 2350875 (VCV002350875.12), dbSNP rs143295716, ClinGen allele CA1001294.
Genomic context (GRCh38, chr1:110,948,068, plus strand): 5'-TCTCTCAGCACCTGCTTAAGTCTTCTTATTTTTTCATCTCGAATGGTTTCTTCTAACTCC[G>A]GTGGTGTCACTGGGAAAATATCTTCGGTATAATTTTTATTGAAGAAATGACTTTGTTCAT-3'
Protein context (NP_060842.3, residues 724-744): YTEDIFPVTP[Pro734Leu]ELEETIRDEK

ClinVar aggregate classification (germline): Uncertain significance. Review status: criteria provided, multiple submitters, no conflicts (2 of 4 stars). 2 submissions from 2 submitters: Uncertain significance (2). Last evaluated 2025-05-01.

Allele frequency attached by ClinVar (database versions not stated): 1000 Genomes Project 30x 0.00016; 1000 Genomes Project 0.00020; TOPMed 0.00023; gnomAD 0.00024; ExAC 0.00031; ESP Exome Variant Server 0.00031; gnomAD exomes 0.00040.
gnomAD v4.1: 608 of 1,613,858 alleles (0.038%); highest among the groups gnomAD compares: Non-Finnish European, 0.049%; no homozygotes.

Submissions (2):

CeGaT Center for Human Genetics Tuebingen
Classification: Uncertain significance. Last evaluated: 2025-05-01. Review status: criteria provided, single submitter. Criteria: CeGaT Center For Human Genetics Tuebingen Variant Classification Criteria Version 2. Collection method: clinical testing. Allele origin: germline. Affected: yes. Observed: 1 variant allele.
Comment: LRIF1: PM2

Ambry Genetics
Classification: Uncertain significance. Last evaluated: 2021-09-28. Review status: criteria provided, single submitter. Criteria: Ambry Variant Classification Scheme 2023. Collection method: clinical testing. Allele origin: germline.